The following is an entry in ClinVar:

ClinVar aggregate classification (germline): Pathogenic. Review status: criteria provided, multiple submitters, no conflicts (2 of 4 stars). 2 submissions from 2 submitters: Pathogenic (2). Last evaluated 2024-05-08.

Conditions:
Fanconi anemia (FA). Also called: Fanconi's anemia. Identifiers: Orphanet 84, MedGen C0015625, MeSH D005199, MONDO:0019391.
Fanconi anemia complementation group A (FANCA). Also called: FANCA-Related Fanconi Anemia; Fanconi anemia, group A. Identifiers: Orphanet 84, MedGen C3469521, MONDO:0009215, OMIM 227650.

Submissions (2):

Myriad Genetics, Inc.
Classification: Pathogenic for Fanconi anemia complementation group A. Last evaluated: 2024-05-08. Review status: criteria provided, single submitter. Criteria: Myriad Autosomal Dominant, Autosomal Recessive and X-Linked Classification Criteria (2023). Collection method: clinical testing. Allele origin: unknown.
Comment: NM_000135.2(FANCA):c.3316G>T(E1106*) is expected to be pathogenic in the context of Fanconi anemia complementation group A. This variant is predicted to lead to an abnormal or absent protein product due to the creation of a premature termination codon in FANCA, a gene where loss-of-function variants are known to be pathogenic. Please note: this variant was assessed in the context of healthy population screening.

Labcorp Genetics (formerly Invitae), Labcorp
Classification: Pathogenic for Fanconi anemia. Last evaluated: 2018-02-26. Review status: criteria provided, single submitter. Criteria: Invitae Variant Classification Sherloc (09022015). Collection method: clinical testing. Allele origin: germline.
Comment: For these reasons, this variant has been classified as Pathogenic. Loss-of-function variants in FANCA are known to be pathogenic (PMID: 19367192). This variant has not been reported in the literature in individuals with FANCA-related disease. This variant is not present in population databases (ExAC no frequency). This sequence change creates a premature translational stop signal (p.Glu1106*) in the FANCA gene. It is expected to result in an absent or disrupted protein product.

Literature cited by the submitters: PubMed 19367192 (cited by Labcorp Genetics (formerly Invitae), Labcorp).

NM_000135.4(FANCA):c.3316G>T (p.Glu1106Ter)

Gene: FANCA (FA complementation group A; minus strand). Cytogenetic location: 16q24.3.
Variant type: single nucleotide variant.
Coding change: c.3316G>T on transcript NM_000135.4 (MANE Select); coding-DNA position 3316, G replaced by T.
Protein change: p.Glu1106Ter; replaces glutamic acid 1106 with a stop codon.
Molecular consequence: nonsense.
Genome position (GRCh38, 1-based): chr16:89,748,691, C>A on the plus strand (G>T on the coding strand, the complement: FANCA is on the minus strand). VCF-style: chr16-89748691-C-A. GRCh37 (hg19) VCF-style: chr16-89815099-C-A.
Other names: c.3316G>T (LRG_495t1); c.3316G>T, p.Glu1106Ter (NM_001286167.3); short protein forms E1106*.
Identifiers: ClinVar variation 456112 (VCV000456112.8), dbSNP rs777825824, ClinGen allele CA397486253.